The following is an entry in ClinVar:

ClinVar aggregate classification (germline): Likely pathogenic (0 of 4 stars; one submission).

Conditions:
Visceral neuropathy, familial, 2, autosomal recessive. Identifiers: MedGen C5561950, MONDO:0030399, OMIM 619465.

Submission:

Center for Medical Genetics, Vilnius University Hospital Santaros Klinikos
Classification: Likely pathogenic for Visceral neuropathy, familial, 2, autosomal recessive. Last evaluated: 2026-09-03. Review status: no assertion criteria provided. Collection method: clinical testing. Allele origin: germline. Inheritance: Autosomal recessive inheritance. Affected: yes.
Comment: The NM_004448.4(ERBB2):c.3412+1_3412+13del variant causes a canonical splice-site (splice donor) change. This variant is predicted to cause a non-NMD splice frameshift. Loss of function is a known mechanism of disease (PVS1). The variant is absent from the gnomAD population database (PM2). No clinical diagnostic laboratories have submitted clinical-significance assessments for this variant to ClinVar, is not reported in the literature. Variant is in a compound heterozygous state with other germline NM_004448.4:c.1018C>T variant (PM3). Based on the collective evidence and the potential impact variant is predicted as likely pathogenic.

NM_004448.4(ERBB2):c.3412+1_3412+13del

Gene: ERBB2 (erb-b2 receptor tyrosine kinase 2; plus strand). Cytogenetic location: 17q12.
Variant type: Deletion.
Coding change: c.3412+1_3412+13del on transcript NM_004448.4 (MANE Select); the canonical splice donor site of the intron after coding-DNA position 3412 through 13 bases into the intron after coding-DNA position 3412, 13 bases deleted (GTATGGAGTCCAG).
Molecular consequence: splice donor variant. On other transcripts: intron variant (2).
Genome position (GRCh38, 1-based): chr17:39,727,548-39,727,560, GTATGGAGTCCAG deleted; deleting any 13 consecutive bases within chr17:39,727,547-39,727,560 gives the same sequence; the c. name uses the placement nearest the transcript's 3' end. VCF-style (leftmost placement, unchanged base first): chr17-39727546-TGGTATGGAGTCCA-T. GRCh37 (hg19) VCF-style: chr17-37883799-TGGTATGGAGTCCA-T.
Other names: c.3322+1_3322+13del (NM_001382782.1, NM_001005862.3, NM_001382783.1); c.3367+1_3367+13del (NM_001289936.2); c.3487+1_3487+13del (NM_001382787.1); c.3529+1_3529+13del (NM_001382784.1); c.3493+1_3493+13del (NM_001382786.1); c.3433+1_3433+13del (NM_001382789.1); c.3442+1_3442+13del (NM_001382788.1); c.3514+1_3514+13del (NM_001382785.1); and 18 more.
Identifiers: ClinVar variation 4890660 (VCV004890660.1).
Genomic context (GRCh38, chr17:39,727,546, plus strand): 5'-AGTACCCCTGCCCTCTGAGACTGATGGCTACGTTGCCCCCCTGACCTGCAGCCCCCAGCC[TGGTATGGAGTCCA>T]GTCTAAGCAGAGAGACTGATGGGCAGGGGAGGTGGGACCTTCAGCCCAGGGTCCACTGTG-3'